The following is an entry in ClinVar:

NM_000062.3(SERPING1):c.722G>C (p.Arg241Pro)

Gene: SERPING1 (serpin family G member 1; plus strand). Cytogenetic location: 11q12.1.
Variant type: single nucleotide variant.
Coding change: c.722G>C on transcript NM_000062.3 (MANE Select); coding-DNA position 722, G replaced by C.
Protein change: p.Arg241Pro; replaces arginine 241 with proline.
Molecular consequence: missense variant.
Genome position (GRCh38, 1-based): chr11:57,606,046, G>C. VCF-style: chr11-57606046-G-C. GRCh37 (hg19) VCF-style: chr11-57373519-G-C.
Other names: c.722G>C, p.Arg241Pro (NM_001032295.2); short protein forms R241P.
Identifiers: ClinVar variation 3336825 (VCV003336825.3).

ClinVar aggregate classification (germline): Likely pathogenic (1 of 4 stars; one submission).

Conditions:
Hereditary angioedema type 1 (HAE1). Identifiers: Orphanet 100050, Orphanet 100051, Orphanet 91378, MedGen C2717906, MONDO:0015053, OMIM 106100.

Submission:

DNA-diagnostics Laboratory, Research Centre For Medical Genetics
Classification: Likely pathogenic for Hereditary angioedema type 1. Last evaluated: 2024-08-11. Review status: criteria provided, single submitter. Criteria: ACMG Guidelines, 2015. Collection method: research. Allele origin: germline. Inheritance: Autosomal dominant inheritance. Affected: yes. Observed: 1 heterozygote.
Comment: The pathogenic or likely pathogenic SERPING1 gene variants are detected in >90% of the HAE1/2 families and in >80% of the total HAE families (e.g., DOI: 10.1016/j.molimm.2008.05.007, 10.1159/2F000138883, 10.1016/j.molimm.2011.07.010). The same variant has previously been reported in 2 HAE1/2 cases (DOI: 10.1111/cea.12293, 10.1002/humu.23917). Such in silico algorithms as BayesDel, MutPred, REVEL support a deleterious effect of this variant with Supporting evidence of pathogenicity, when choosing at least two identical assessments and using the threshold ranges from ClinGen recommendations (DOI: 10.1016/j.ajhg.2022.10.013). In summary, the c.722G>C variant in SERPING1 meets ACMG/ClinGen SVI guidance criteria to be classified as likely pathogenic: PS4_Mod, PP4_Mod, PM2_Sup, PP2, PP3

Literature cited by the submitters: DOI 10.1111/cea.12293; DOI 10.1002/humu.23917.